The following is an entry in ClinVar:

NM_001127222.2(CACNA1A):c.6656A>C (p.His2219Pro)

Gene: CACNA1A (calcium voltage-gated channel subunit alpha1 A; minus strand). Cytogenetic location: 19p13.13.
Variant type: single nucleotide variant.
Coding change: c.6656A>C on transcript NM_001127222.2 (MANE Select); coding-DNA position 6656, A replaced by C.
Protein change: p.His2219Pro; replaces histidine 2219 with proline.
Molecular consequence: missense variant.
Genome position (GRCh38, 1-based): chr19:13,208,880, T>G on the plus strand (A>C on the coding strand, the complement: CACNA1A is on the minus strand). VCF-style: chr19-13208880-T-G. GRCh37 (hg19) VCF-style: chr19-13319694-T-G.
Other names: c.6674A>C, p.His2225Pro (NM_000068.4, NM_023035.3); c.6659A>C, p.His2220Pro (NM_001127221.2); c.6665A>C, p.His2222Pro (NM_001174080.2); short protein forms H2220P, H2222P, H2225P, H2219P.
Identifiers: ClinVar variation 588132 (VCV000588132.17), dbSNP rs772789381, ClinGen allele CA9239307.

ClinVar aggregate classification (germline): Conflicting classifications of pathogenicity. Review status: criteria provided, conflicting classifications (1 of 4 stars). 4 submissions from 4 submitters: Uncertain significance (2); Likely benign (1). 1 of the submissions does not count toward it. Last evaluated 2024-09-23.

Conditions:
Inborn genetic diseases. Identifiers: MedGen C0950123, MeSH D030342.
Developmental and epileptic encephalopathy, 42 (DEE42A). Also called: DEVELOPMENTAL AND EPILEPTIC ENCEPHALOPATHY 42A; EPILEPTIC ENCEPHALOPATHY, EARLY INFANTILE, 42A; Epileptic encephalopathy, early infantile, 42. Identifiers: MedGen C4310716, MONDO:0014917, OMIM 617106.
Episodic ataxia type 2 (EA2). Also called: ACETAZOLAMIDE-RESPONSIVE HEREDITARY PAROXYSMAL CEREBELLAR ATAXIA; ATAXIA, EPISODIC, WITH NYSTAGMUS; ATAXIA, FAMILIAL PAROXYSMAL; CEREBELLAR ATAXIA, PAROXYSMAL, ACETAZOLAMIDE-RESPONSIVE; CEREBELLOPATHY, HEREDITARY PAROXYSMAL; EPISODIC ATAXIA, NYSTAGMUS-ASSOCIATED. Identifiers: Orphanet 97, MedGen C1720416, MONDO:0007163, OMIM 108500.
Intellectual disability. Also called: Intellectual functioning disability; Intellectual developmental disorder; intellectual disabilities. Identifiers: MedGen C3714756, MeSH D008607, MONDO:0001071, HP:0001249.

Allele frequency attached by ClinVar (database versions not stated): gnomAD exomes 0.00008; ExAC 0.00025; gnomAD 0.00055 and 0.00060.
gnomAD v4.1: 259 of 691,530 alleles (0.037%); highest among the groups gnomAD compares: African/African-American, 0.074%; no homozygotes.

Submissions (4):

Labcorp Genetics (formerly Invitae), Labcorp
Classification: Uncertain significance for Developmental and epileptic encephalopathy, 42; Episodic ataxia type 2. Last evaluated: 2024-09-23. Review status: criteria provided, single submitter. Criteria: Invitae Variant Classification Sherloc (09022015). Collection method: clinical testing. Allele origin: germline.
Comment: This sequence change replaces histidine, which is basic and polar, with proline, which is neutral and non-polar, at codon 2220 of the CACNA1A protein (p.His2220Pro). The frequency data for this variant in the population databases is considered unreliable, as metrics indicate poor data quality at this position in the gnomAD database. This variant has not been reported in the literature in individuals affected with CACNA1A-related conditions. ClinVar contains an entry for this variant (Variation ID: 588132). Invitae Evidence Modeling of protein sequence and biophysical properties (such as structural, functional, and spatial information, amino acid conservation, physicochemical variation, residue mobility, and thermodynamic stability) indicates that this missense variant is not expected to disrupt CACNA1A protein function with a negative predictive value of 95%. In summary, the available evidence is currently insufficient to determine the role of this variant in disease. Therefore, it has been classified as a Variant of Uncertain Significance.

Ambry Genetics
Classification: Likely benign for Inborn genetic diseases. Last evaluated: 2024-04-20. Review status: criteria provided, single submitter. Criteria: Ambry Variant Classification Scheme 2023. Collection method: clinical testing. Allele origin: germline.

Breakthrough Genomics
Classification: Uncertain significance. Review status: criteria provided, single submitter. Criteria: ACMG Guidelines, 2015. Collection method: not provided. Allele origin: germline. Inheritance: Autosomal dominant inheritance. Affected: yes.

Centre de Biologie Pathologie Génétique, Centre Hospitalier Universitaire de Lille
Classification: Likely benign for Intellectual disability. Last evaluated: 2019-01-01. Review status: no assertion criteria provided. Collection method: clinical testing. Allele origin: inherited. Affected: yes. Not counted in ClinVar's aggregate classification.